The following is an entry in ClinVar:

NM_004484.4(GPC3):c.1714G>T (p.Val572Leu)

Gene: GPC3 (glypican 3; minus strand). Cytogenetic location: Xq26.2.
Variant type: single nucleotide variant.
Coding change: c.1714G>T on transcript NM_004484.4 (MANE Select); coding-DNA position 1714, G replaced by T.
Protein change: p.Val572Leu; replaces valine 572 with leucine.
Molecular consequence: missense variant.
Genome position (GRCh38, 1-based): chrX:133,536,153, C>A on the plus strand (G>T on the coding strand, the complement: GPC3 is on the minus strand). VCF-style: chrX-133536153-C-A. GRCh37 (hg19) VCF-style: chrX-132670181-C-A.
Other names: c.1783G>T, p.Val595Leu (NM_001164617.2); c.1666G>T, p.Val556Leu (NM_001164618.2); c.1552G>T, p.Val518Leu (NM_001164619.2); short protein forms V518L, V556L, V572L, V595L.
Identifiers: ClinVar variation 862920 (VCV000862920.10), dbSNP rs2069287188, ClinGen allele CA414702430.

ClinVar aggregate classification (germline): Uncertain significance (1 of 4 stars; one submission).

Conditions:
Wilms tumor 1 (WT1). Also called: Wilms tumor, somatic. Identifiers: Orphanet 654, MedGen CN033288, MONDO:0008679, OMIM 194070.

Submission:

Labcorp Genetics (formerly Invitae), Labcorp
Classification: Uncertain significance for Wilms tumor 1. Last evaluated: 2019-11-17. Review status: criteria provided, single submitter. Criteria: Invitae Variant Classification Sherloc (09022015). Collection method: clinical testing. Allele origin: germline.
Comment: In summary, the available evidence is currently insufficient to determine the role of this variant in disease. Therefore, it has been classified as a Variant of Uncertain Significance. Algorithms developed to predict the effect of missense changes on protein structure and function (SIFT, PolyPhen-2, Align-GVGD) all suggest that this variant is likely to be tolerated, but these predictions have not been confirmed by published functional studies and their clinical significance is uncertain. This sequence change replaces valine with leucine at codon 572 of the GPC3 protein (p.Val572Leu). The valine residue is weakly conserved and there is a small physicochemical difference between valine and leucine. This variant has not been reported in the literature in individuals with GPC3-related conditions. This variant is not present in population databases (ExAC no frequency).